The following is an entry in ClinVar:

ClinVar aggregate classification (germline): Conflicting classifications of pathogenicity. Review status: criteria provided, conflicting classifications (1 of 4 stars). 4 submissions from 4 submitters: Uncertain significance (1); Likely benign (3). Last evaluated 2026-01-13.

Conditions:
Inborn genetic diseases. Identifiers: MedGen C0950123, MeSH D030342.

Allele frequency attached by ClinVar (database versions not stated): 1000 Genomes Project 30x 0.00094; 1000 Genomes Project 0.00100; ESP Exome Variant Server 0.00118.
gnomAD v4.1: 279 of 1,608,318 alleles (0.017%); highest among the groups gnomAD compares: African/African-American, 0.33%; 1 homozygote.

Submissions (4):

Labcorp Genetics (formerly Invitae), Labcorp
Classification: Likely benign. Last evaluated: 2026-01-13. Review status: criteria provided, single submitter. Criteria: Invitae Variant Classification Sherloc (09022015). Collection method: clinical testing. Allele origin: germline.

Mayo Clinic Laboratories, Mayo Clinic
Classification: Likely benign. Last evaluated: 2025-05-05. Review status: criteria provided, single submitter. Criteria: ACMG Guidelines, 2015. Collection method: clinical testing. Allele origin: germline. Observed: 1 variant allele.
Comment: BS1, BP4_moderate

GeneDx
Classification: Uncertain significance. Last evaluated: 2024-02-08. Review status: criteria provided, single submitter. Criteria: GeneDx Variant Classification Process June 2021. Collection method: clinical testing. Allele origin: germline. Affected: yes.
Comment: In silico analysis supports that this missense variant has a deleterious effect on protein structure/function; Has not been previously published as pathogenic or benign to our knowledge

Ambry Genetics
Classification: Likely benign for Inborn genetic diseases. Last evaluated: 2022-01-05. Review status: criteria provided, single submitter. Criteria: Ambry Variant Classification Scheme 2023. Collection method: clinical testing. Allele origin: germline.

NM_001080414.4(CCDC88C):c.2066C>G (p.Ser689Cys)

Gene: CCDC88C (coiled-coil and HOOK domain protein 88C; minus strand). Cytogenetic location: 14q32.11.
Variant type: single nucleotide variant.
Coding change: c.2066C>G on transcript NM_001080414.4 (MANE Select); coding-DNA position 2066, C replaced by G.
Protein change: p.Ser689Cys; replaces serine 689 with cysteine.
Molecular consequence: missense variant.
Genome position (GRCh38, 1-based): chr14:91,313,750, G>C on the plus strand (C>G on the coding strand, the complement: CCDC88C is on the minus strand). VCF-style: chr14-91313750-G-C. GRCh37 (hg19) VCF-style: chr14-91780094-G-C.
Other names: p.Ser689Cys; short protein forms S689C.
Identifiers: ClinVar variation 1712069 (VCV001712069.10), dbSNP rs185401166, ClinGen allele CA7309750.